The following is an entry in ClinVar:

ClinVar aggregate classification (germline): Uncertain significance. Review status: criteria provided, multiple submitters, no conflicts (2 of 4 stars). 3 submissions from 3 submitters: Uncertain significance (3). Last evaluated 2025-12-29.

Conditions:
MYO5B-related disorder. Also called: MYO5B-related condition.

Allele frequency attached by ClinVar (database versions not stated): gnomAD 0.00003; gnomAD exomes 0.00003; TOPMed 0.00003; ExAC 0.00004; 1000 Genomes Project 30x 0.00016; 1000 Genomes Project 0.00020.
gnomAD v4.1: 43 of 1,612,630 alleles (0.0027%); highest among the groups gnomAD compares: South Asian, 0.0077%; 1 homozygote.

Submissions (3):

PreventionGenetics, part of Exact Sciences
Classification: Uncertain significance for MYO5B-related condition. Last evaluated: 2025-12-29. Review status: criteria provided, single submitter. Criteria: ACMG Guidelines, 2015. Collection method: clinical testing. Allele origin: germline.
Comment: The MYO5B c.2794C>T variant is predicted to result in the amino acid substitution p.Arg932Trp. To our knowledge, this variant has not been reported in the literature. This variant is reported in 0.0055% of alleles in individuals of European (Non-Finnish) descent in gnomAD. At this time, the clinical significance of this variant is uncertain due to the absence of conclusive functional and genetic evidence.

CeGaT Center for Human Genetics Tuebingen
Classification: Uncertain significance. Last evaluated: 2022-09-01. Review status: criteria provided, single submitter. Criteria: CeGaT Center For Human Genetics Tuebingen Variant Classification Criteria Version 2. Collection method: clinical testing. Allele origin: germline. Affected: yes. Observed: 1 variant allele.
Comment: MYO5B: PM2

Labcorp Genetics (formerly Invitae), Labcorp
Classification: Uncertain significance. Last evaluated: 2022-04-18. Review status: criteria provided, single submitter. Criteria: Invitae Variant Classification Sherloc (09022015). Collection method: clinical testing. Allele origin: germline.
Comment: This sequence change replaces arginine, which is basic and polar, with tryptophan, which is neutral and slightly polar, at codon 932 of the MYO5B protein (p.Arg932Trp). This variant is present in population databases (rs182361673, gnomAD 0.005%). This variant has not been reported in the literature in individuals affected with MYO5B-related conditions. Algorithms developed to predict the effect of missense changes on protein structure and function are either unavailable or do not agree on the potential impact of this missense change (SIFT: "Deleterious"; PolyPhen-2: "Probably Damaging"; Align-GVGD: "Class C0"). In summary, the available evidence is currently insufficient to determine the role of this variant in disease. Therefore, it has been classified as a Variant of Uncertain Significance.

NM_001080467.3(MYO5B):c.2794C>T (p.Arg932Trp)

Gene: MYO5B (myosin VB; minus strand). Cytogenetic location: 18q21.1.
Variant type: single nucleotide variant.
Coding change: c.2794C>T on transcript NM_001080467.3 (MANE Select); coding-DNA position 2794, C replaced by T.
Protein change: p.Arg932Trp; replaces arginine 932 with tryptophan.
Molecular consequence: missense variant.
Genome position (GRCh38, 1-based): chr18:49,902,611, G>A on the plus strand (C>T on the coding strand, the complement: MYO5B is on the minus strand). VCF-style: chr18-49902611-G-A. GRCh37 (hg19) VCF-style: chr18-47428981-G-A.
Other names: c.2794C>T (NM_001080467.2); short protein forms R932W.
Identifiers: ClinVar variation 1423257 (VCV001423257.33), dbSNP rs182361673, ClinGen allele CA8960953.
Genomic context (GRCh38, chr18:49,902,611, plus strand): 5'-ACCCAAGCCCCCGACACCCAGGTAGGGAGCTGCAGACACTGACCTGCTCATCGATCTTCC[G>A]CTGCAGCTGGACCACCTTGTTCTCCATGCCCACGTTGAGACGTTTCAGATGCTCTGCTGA-3'
Protein context (NP_001073936.1, residues 922-942): GMENKVVQLQ[Arg932Trp]KIDEQNKEFK